The following is an entry in ClinVar:

NM_203486.3(DLL3):c.1170C>A (p.His390Gln)

Gene: DLL3 (delta like canonical Notch ligand 3; plus strand). Cytogenetic location: 19q13.2.
Variant type: single nucleotide variant.
Coding change: c.1170C>A on transcript NM_203486.3 (MANE Select); coding-DNA position 1170, C replaced by A.
Protein change: p.His390Gln; replaces histidine 390 with glutamine.
Molecular consequence: missense variant.
Genome position (GRCh38, 1-based): chr19:39,507,115, C>A. VCF-style: chr19-39507115-C-A. GRCh37 (hg19) VCF-style: chr19-39997755-C-A.
Other names: c.1170C>A, p.His390Gln (NM_016941.4); short protein forms H390Q.
Identifiers: ClinVar variation 1056106 (VCV001056106.8), dbSNP rs781159181, ClinGen allele CA405800305.

ClinVar aggregate classification (germline): Uncertain significance (1 of 4 stars; one submission).

Allele frequency attached by ClinVar (database versions not stated): TOPMed below 0.00001.

Submission:

Labcorp Genetics (formerly Invitae), Labcorp
Classification: Uncertain significance. Last evaluated: 2024-10-24. Review status: criteria provided, single submitter. Criteria: Invitae Variant Classification Sherloc (09022015). Collection method: clinical testing. Allele origin: germline.
Comment: This sequence change replaces histidine, which is basic and polar, with glutamine, which is neutral and polar, at codon 390 of the DLL3 protein (p.His390Gln). The frequency data for this variant in the population databases is considered unreliable, as metrics indicate poor data quality at this position in the gnomAD database. This variant has not been reported in the literature in individuals affected with DLL3-related conditions. ClinVar contains an entry for this variant (Variation ID: 1056106). An algorithm developed to predict the effect of missense changes on protein structure and function (PolyPhen-2) suggests that this variant is likely to be disruptive. In summary, the available evidence is currently insufficient to determine the role of this variant in disease. Therefore, it has been classified as a Variant of Uncertain Significance.